The following is an entry in ClinVar:

NM_001267550.2(TTN):c.30137C>T (p.Thr10046Ile)

Gene: TTN (titin; minus strand). Cytogenetic location: 2q31.2.
Variant type: single nucleotide variant.
Coding change: c.30137C>T on transcript NM_001267550.2 (MANE Select); coding-DNA position 30137, C replaced by T.
Protein change: p.Thr10046Ile; replaces threonine 10046 with isoleucine.
Molecular consequence: missense variant. On other transcripts: intron variant (3).
Genome position (GRCh38, 1-based): chr2:178,704,233, G>A on the plus strand (C>T on the coding strand, the complement: TTN is on the minus strand). VCF-style: chr2-178704233-G-A. GRCh37 (hg19) VCF-style: chr2-179568960-G-A.
Other names: c.29186C>T, p.Thr9729Ile (NM_001256850.1); c.26405C>T, p.Thr8802Ile (NM_133378.4); c.13282+33849C>T (NM_003319.4); c.13858+33849C>T (NM_133437.4); c.13657+33849C>T (NM_133432.3); short protein forms T10046I, T8802I, T9729I.
Identifiers: ClinVar variation 892849 (VCV000892849.5), dbSNP rs535268419, ClinGen allele CA1999234.

ClinVar aggregate classification (germline): Uncertain significance. Review status: criteria provided, multiple submitters, no conflicts (2 of 4 stars). 6 submissions from 2 submitters: Uncertain significance (6). Last evaluated 2024-12-05.

Conditions:
Dilated cardiomyopathy 1G (CMD1G). Identifiers: Orphanet 154, MedGen C1858763, MONDO:0011400, OMIM 604145.
TTN-related disorder. Also called: TTN-related condition; TTN-related disease; TTN-related disorders.
Myopathy, myofibrillar, 9, with early respiratory failure (MFM9). Also called: Myopathy, distal, with early respiratory failure, autosomal dominant; Hereditary myopathy with early respiratory failure; EDSTROM MYOPATHY; MYOPATHY, PROXIMAL, WITH EARLY RESPIRATORY MUSCLE INVOLVEMENT. Identifiers: Orphanet 178464, Orphanet 34521, MedGen C1863599, MONDO:0011362, OMIM 603689.
Autosomal recessive limb-girdle muscular dystrophy type 2J (LGMDR10). Also called: MUSCULAR DYSTROPHY, LIMB-GIRDLE, AUTOSOMAL RECESSIVE 10; Limb-girdle muscular dystrophy, type 2J. Identifiers: Orphanet 140922, MedGen C1837342, MONDO:0012127, OMIM 608807.
Tibial muscular dystrophy (TMD). Also called: UDD MYOPATHY; Udd Distal Myopathy – Tibial Muscular Dystrophy; Tibial muscular dystrophy, tardive. Identifiers: Orphanet 609, MedGen C1838244, MONDO:0010870, OMIM 600334.
Early-onset myopathy with fatal cardiomyopathy (CMYO5). Also called: CONGENITAL MYOPATHY 5 WITH CARDIOMYOPATHY; Salih Myopathy. Identifiers: Orphanet 289377, MedGen C2673677, MONDO:0012714, OMIM 611705. Disease mechanism: loss of function.

Allele frequency attached by ClinVar (database versions not stated): gnomAD 0.00001; gnomAD exomes 0.00001 and 0.00003; ExAC 0.00005; 1000 Genomes Project 30x 0.00016; 1000 Genomes Project 0.00020.
gnomAD v4.1: 15 of 1,613,974 alleles (0.00093%); highest among the groups gnomAD compares: Middle Eastern, 0.016%; no homozygotes.

Submissions (6):

PreventionGenetics, part of Exact Sciences
Classification: Uncertain significance for TTN-related condition. Last evaluated: 2024-12-05. Review status: criteria provided, single submitter. Criteria: ACMG Guidelines, 2015. Collection method: clinical testing. Allele origin: germline.
Comment: The TTN c.30137C>T variant is predicted to result in the amino acid substitution p.Thr10046Ile. To our knowledge, this variant has not been reported in the literature. This variant is reported in 0.023% of alleles in individuals of South Asian descent in gnomAD. At this time, the clinical significance of this variant is uncertain due to the absence of conclusive functional and genetic evidence.

Illumina Laboratory Services, Illumina
Classification: Uncertain significance for Early-onset myopathy with fatal cardiomyopathy. Last evaluated: 2018-01-15. Review status: criteria provided, single submitter. Criteria: ICSL Variant Classification Criteria 13 December 2019. Collection method: clinical testing. Allele origin: germline.

Illumina Laboratory Services, Illumina
Classification: Uncertain significance for Myopathy, myofibrillar, 9, with early respiratory failure. Last evaluated: 2018-01-15. Review status: criteria provided, single submitter. Criteria: ICSL Variant Classification Criteria 13 December 2019. Collection method: clinical testing. Allele origin: germline.

Illumina Laboratory Services, Illumina
Classification: Uncertain significance for Dilated cardiomyopathy 1G. Last evaluated: 2018-01-15. Review status: criteria provided, single submitter. Criteria: ICSL Variant Classification Criteria 13 December 2019. Collection method: clinical testing. Allele origin: germline.

Illumina Laboratory Services, Illumina
Classification: Uncertain significance for Tibial muscular dystrophy. Last evaluated: 2018-01-15. Review status: criteria provided, single submitter. Criteria: ICSL Variant Classification Criteria 13 December 2019. Collection method: clinical testing. Allele origin: germline.

Illumina Laboratory Services, Illumina
Classification: Uncertain significance for Autosomal recessive limb-girdle muscular dystrophy type 2J. Last evaluated: 2018-01-15. Review status: criteria provided, single submitter. Criteria: ICSL Variant Classification Criteria 13 December 2019. Collection method: clinical testing. Allele origin: germline.